The following is an entry in ClinVar:

ClinVar aggregate classification (germline): Uncertain significance (1 of 4 stars; one submission).

Submission:

Women's Health and Genetics/Laboratory Corporation of America, LabCorp
Classification: Uncertain significance. Last evaluated: 2020-11-16. Review status: criteria provided, single submitter. Criteria: LabCorp Variant Classification Summary - May 2015. Collection method: clinical testing. Allele origin: germline.
Comment: Variant summary: TTN c.21851G>T (p.Cys7284Phe) results in a non-conservative amino acid change located in the I-band domain of the encoded protein sequence. Four of five in-silico tools predict a damaging effect of the variant on protein function. The variant was absent in 248518 control chromosomes (gnomAD). The available data on variant occurrences in the general population are insufficient to allow any conclusion about variant significance. To our knowledge, no occurrence of c.21851G>T in individuals affected with Dilated Cardiomyopathy and no experimental evidence demonstrating its impact on protein function have been reported. No clinical diagnostic laboratories have submitted clinical-significance assessments for this variant to ClinVar after 2014. Based on the evidence outlined above, the variant was classified as uncertain significance.

NM_001267550.2(TTN):c.25583G>T (p.Cys8528Phe)

Gene: TTN (titin; minus strand). Cytogenetic location: 2q31.2.
Variant type: single nucleotide variant.
Coding change: c.25583G>T on transcript NM_001267550.2 (MANE Select); coding-DNA position 25583, G replaced by T.
Protein change: p.Cys8528Phe; replaces cysteine 8528 with phenylalanine.
Molecular consequence: missense variant. On other transcripts: intron variant (3).
Genome position (GRCh38, 1-based): chr2:178,717,151, C>A on the plus strand (G>T on the coding strand, the complement: TTN is on the minus strand). VCF-style: chr2-178717151-C-A. GRCh37 (hg19) VCF-style: chr2-179581878-C-A.
Other names: c.24632G>T, p.Cys8211Phe (NM_001256850.1); c.21851G>T, p.Cys7284Phe (NM_133378.4); c.13282+20931G>T (NM_003319.4); c.13858+20931G>T (NM_133437.4); c.13657+20931G>T (NM_133432.3); short protein forms C7284F, C8211F, C8528F.
Identifiers: ClinVar variation 987788 (VCV000987788.1), dbSNP rs1364963458, ClinGen allele CA349484010.